The following is an entry in ClinVar:

NM_015295.3(SMCHD1):c.5050C>T (p.Gln1684Ter)

Gene: SMCHD1 (structural maintenance of chromosomes flexible hinge domain containing 1; plus strand). Cytogenetic location: 18p11.32.
Variant type: single nucleotide variant.
Coding change: c.5050C>T on transcript NM_015295.3 (MANE Select); coding-DNA position 5050, C replaced by T.
Protein change: p.Gln1684Ter; replaces glutamine 1684 with a stop codon.
Molecular consequence: nonsense.
Genome position (GRCh38, 1-based): chr18:2,771,616, C>T. VCF-style: chr18-2771616-C-T. GRCh37 (hg19) VCF-style: chr18-2771614-C-T.
Other names: NP_056110.2:p.(Gln1684Ter); short protein forms Q1684*.
Identifiers: ClinVar variation 4887976 (VCV004887976.1).

ClinVar aggregate classification (germline): Likely pathogenic (1 of 4 stars; one submission).

Conditions:
Facioscapulohumeral muscular dystrophy 2 (FSHD2). Also called: FACIOSCAPULOHUMERAL MUSCULAR DYSTROPHY 2, DIGENIC; FSHD2, DIGENIC; MUSCULAR DYSTROPHY, FACIOSCAPULOHUMERAL, TYPE 1B. Identifiers: Orphanet 269, MedGen C1834671, MONDO:0008031, OMIM 158901.

gnomAD v4.1: 2 of 1,548,948 alleles (0.00013%); highest among the groups gnomAD compares: Non-Finnish European, 0.000086%; no homozygotes.

Submission:

Laboratory of Functional Genomics, Research Centre for Medical Genetics
Classification: Likely pathogenic for Facioscapulohumeral muscular dystrophy 2. Last evaluated: 2026-05-03. Review status: criteria provided, single submitter. Criteria: ACMG Guidelines, 2015. Collection method: clinical testing. Allele origin: germline. Inheritance: Autosomal dominant inheritance. Affected: yes. Observed: 1 variant allele, 1 heterozygote.
Comment: The variant NM_015295.3.5050C>T is a nonsense variant in the SMCHD1 gene and is absent from gnomAD. Molecular genetic testing demonstrated a permissive 4qA allele with 10–13 D4Z4 repeat units. Both distal and global D4Z4 methylation levels were reduced, consistent with the epigenetic profile characteristic of FSHD2. The presence of a rare truncating variant in SMCHD1 in an affected individual carrying a permissive 4qA allele, together with reduced distal and global D4Z4 methylation, supports a deleterious effect of the variant and its classification as likely pathogenic.